The following is an entry in ClinVar:

ClinVar aggregate classification (germline): Pathogenic (1 of 4 stars; one submission).

Allele frequency attached by ClinVar (database versions not stated): gnomAD exomes below 0.00001; gnomAD 0.00001; TOPMed 0.00001.
gnomAD v4.1: 4 of 1,611,950 alleles (0.00025%); highest among the groups gnomAD compares: African/African-American, 0.0013%; no homozygotes.

Submission:

Labcorp Genetics (formerly Invitae), Labcorp
Classification: Pathogenic. Last evaluated: 2023-12-22. Review status: criteria provided, single submitter. Criteria: Invitae Variant Classification Sherloc (09022015). Collection method: clinical testing. Allele origin: germline.
Comment: This sequence change creates a premature translational stop signal (p.Arg514*) in the IMPDH1 gene. It is expected to result in an absent or disrupted protein product. Loss-of-function variants in IMPDH1 are known to be pathogenic (PMID: 14981049, 33090715). This variant is not present in population databases (gnomAD no frequency). This variant has not been reported in the literature in individuals affected with IMPDH1-related conditions. ClinVar contains an entry for this variant (Variation ID: 1900327). Algorithms developed to predict the effect of sequence changes on RNA splicing suggest that this variant may disrupt the consensus splice site. For these reasons, this variant has been classified as Pathogenic.

Literature cited by the submitters: PubMed 14981049; PubMed 33090715.

NM_000883.4(IMPDH1):c.1540C>T (p.Arg514Ter)

Gene: IMPDH1 (inosine monophosphate dehydrogenase 1; minus strand). Cytogenetic location: 7q32.1.
Variant type: single nucleotide variant.
Coding change: c.1540C>T on transcript NM_000883.4 (MANE Select); coding-DNA position 1540, C replaced by T.
Protein change: p.Arg514Ter; replaces arginine 514 with a stop codon.
Molecular consequence: nonsense.
Genome position (GRCh38, 1-based): chr7:128,394,899, G>A on the plus strand (C>T on the coding strand, the complement: IMPDH1 is on the minus strand). VCF-style: chr7-128394899-G-A. GRCh37 (hg19) VCF-style: chr7-128034953-G-A.
Other names: c.1510C>T, p.Arg504Ter (NM_001102605.2); c.1285C>T, p.Arg429Ter (NM_001142573.2); c.1270C>T, p.Arg424Ter (NM_001142574.2); c.1210C>T, p.Arg404Ter (NM_001142575.2); c.1441C>T, p.Arg481Ter (NM_001142576.2); c.1333C>T, p.Arg445Ter (NM_001304521.2); c.1432C>T, p.Arg478Ter (NM_183243.3); short protein forms R404*, R424*, R445*, R478*, R481*, R514*, R429*, R504*.
Identifiers: ClinVar variation 1900327 (VCV001900327.5), dbSNP rs1343867350, ClinGen allele CA369162709.
Genomic context (GRCh38, chr7:128,394,899, plus strand): 5'-CTGAAGGGTTGTGGGCTGATCTGCCCAGGTGGGGCCCAGGGTCAGGGAACCTGAAGTATC[G>A]TTTCTGGCTGCTGCTGCTCTTCTCCATGGCATCCAGTGAGCCCATGCCCCGGTACTTCTT-3'